The following is an entry in ClinVar:

NM_000051.4(ATM):c.2408T>C (p.Phe803Ser)

Gene: ATM (ATM serine/threonine kinase; plus strand). Cytogenetic location: 11q22.3.
Variant type: single nucleotide variant.
Coding change: c.2408T>C on transcript NM_000051.4 (MANE Select); coding-DNA position 2408, T replaced by C.
Protein change: p.Phe803Ser; replaces phenylalanine 803 with serine.
Molecular consequence: missense variant.
Genome position (GRCh38, 1-based): chr11:108,259,017, T>C. VCF-style: chr11-108259017-T-C. GRCh37 (hg19) VCF-style: chr11-108129744-T-C.
Other names: c.2408T>C, p.Phe803Ser (NM_001351834.2); short protein forms F803S.
Identifiers: ClinVar variation 421790 (VCV000421790.24), dbSNP rs751218526, ClinGen allele CA6265019.

ClinVar aggregate classification (germline): Uncertain significance. Review status: criteria provided, multiple submitters, no conflicts (2 of 4 stars). 6 submissions from 6 submitters: Uncertain significance (5). 1 of the submissions does not count toward it. Last evaluated 2026-06-05.

Conditions:
Hereditary cancer-predisposing syndrome. Also called: Neoplastic Syndromes, Hereditary; Tumor predisposition; Hereditary Cancer Syndrome; Hereditary neoplastic syndrome. Identifiers: Orphanet 140162, MedGen C0027672, MeSH D009386, MONDO:0015356.
ATM-related cancer predisposition. Also called: ATM-related cancer susceptibility. Identifiers: MedGen CN377759, MONDO:0700270.
Ataxia-telangiectasia syndrome (AT). Also called: Ataxia-telangiectasia, complementation group D; AT, COMPLEMENTATION GROUP C; ATAXIA-TELANGIECTASIA, COMPLEMENTATION GROUP A; ATAXIA-TELANGIECTASIA, FRESNO VARIANT; Cerebello-oculocutaneous telangiectasia; Immunodeficiency with ataxia telangiectasia. Identifiers: Orphanet 100, MedGen C0004135, MONDO:0008840, OMIM 208900.

Allele frequency attached by ClinVar (database versions not stated): gnomAD exomes below 0.00001; ExAC 0.00001.
gnomAD v4.1: 1 of 1,613,918 alleles (0.000062%); highest among the groups gnomAD compares: Middle Eastern, 0.017%; no homozygotes.

Submissions (6):

Hema, HEMA – Genetic and Molecular Diagnostic Laboratory
Classification: Uncertain significance for ATM-related cancer predisposition. Last evaluated: 2026-06-05. Review status: criteria provided, single submitter. Criteria: HEMA Variant Classification Assertion Criteria. Collection method: clinical testing. Allele origin: germline.
Comment: The c.2408T>C p.(Phe803Ser) variant is a transition from thymine to cytosine, resulting in the substitution of phenylalanine 803 with serine in the ATM protein. PM2_Supporting: Present at very low frequency in the gnomAD v4.1.1 database.

Labcorp Genetics (formerly Invitae), Labcorp
Classification: Uncertain significance for Ataxia-telangiectasia syndrome. Last evaluated: 2026-01-20. Review status: criteria provided, single submitter. Criteria: Invitae Variant Classification Sherloc (09022015). Collection method: clinical testing. Allele origin: germline.
Comment: This sequence change replaces phenylalanine, which is neutral and non-polar, with serine, which is neutral and polar, at codon 803 of the ATM protein (p.Phe803Ser). This variant is present in population databases (rs751218526, gnomAD 0.0009%). This variant has not been reported in the literature in individuals affected with ATM-related conditions. ClinVar contains an entry for this variant (Variation ID: 421790). Invitae Evidence Modeling of protein sequence and biophysical properties (such as structural, functional, and spatial information, amino acid conservation, physicochemical variation, residue mobility, and thermodynamic stability) indicates that this missense variant is not expected to disrupt ATM protein function with a negative predictive value of 95%. In summary, the available evidence is currently insufficient to determine the role of this variant in disease. Therefore, it has been classified as a Variant of Uncertain Significance.

Ambry Genetics
Classification: Uncertain significance for Hereditary cancer-predisposing syndrome. Last evaluated: 2023-10-01. Review status: criteria provided, single submitter. Criteria: Ambry Variant Classification Scheme 2023. Collection method: clinical testing. Allele origin: germline.
Comment: The p.F803S variant (also known as c.2408T>C), located in coding exon 15 of the ATM gene, results from a T to C substitution at nucleotide position 2408. The phenylalanine at codon 803 is replaced by serine, an amino acid with highly dissimilar properties. In a study of whole-exome sequencing in patients with features of Cowden syndrome (CS) or Bannayan-Riley-Ruvalcaba syndrome (BRRS) and negative PTEN testing, this alteration was identified in 0/87 patients with CS or BRRS and 1/3476 patients from The Cancer Genome Atlas (TCGA) (Yehia L et al. PLoS Genet, 2018 04;14:e1007352). This amino acid position is highly conserved in available vertebrate species. In addition, the in silico prediction for this alteration is inconclusive. Since supporting evidence is limited at this time, the clinical significance of this alteration remains unclear.

GeneDx
Classification: Uncertain significance. Last evaluated: 2023-03-02. Review status: criteria provided, single submitter. Criteria: GeneDx Variant Classification Process June 2021. Collection method: clinical testing. Allele origin: germline. Affected: yes.
Comment: Not observed at significant frequency in large population cohorts (gnomAD); In silico analysis supports that this missense variant has a deleterious effect on protein structure/function; Observed in an individual with endometrial carcinoma (Yehia et al., 2018); This variant is associated with the following publications: (PMID: 29684080, 26689913)

Color Diagnostics, LLC DBA Color Health
Classification: Uncertain significance for Hereditary cancer-predisposing syndrome. Last evaluated: 2022-11-07. Review status: criteria provided, single submitter. Criteria: ACMG Guidelines, 2015. Collection method: clinical testing. Allele origin: germline.
Comment: This missense variant replaces phenylalanine with serine at codon 803 of the ATM protein. Computational prediction is inconclusive regarding the impact of this variant on protein structure and function (internally defined REVEL score threshold 0.5 < inconclusive < 0.7, PMID: 27666373). To our knowledge, functional studies have not been reported for this variant. This variant has not been reported in individuals affected with ATM-related disorders in the literature. This variant has been identified in 1/251270 chromosomes in the general population by the Genome Aggregation Database (gnomAD). The available evidence is insufficient to determine the role of this variant in disease conclusively. Therefore, this variant is classified as a Variant of Uncertain Significance.

Natera, Inc.
Classification: Uncertain significance for Ataxia-telangiectasia. Last evaluated: 2021-01-13. Review status: no assertion criteria provided. Collection method: clinical testing. Allele origin: germline. Not counted in ClinVar's aggregate classification.

Literature cited by the submitters: PubMed 29684080 (cited by Ambry Genetics).